The following is an entry in ClinVar:

NM_005677.4(COLQ):c.889A>G (p.Met297Val)

Gene: COLQ (collagen like tail subunit of asymmetric acetylcholinesterase; minus strand). Cytogenetic location: 3p25.1.
Variant type: single nucleotide variant.
Coding change: c.889A>G on transcript NM_005677.4 (MANE Select); coding-DNA position 889, A replaced by G.
Protein change: p.Met297Val; replaces methionine 297 with valine.
Molecular consequence: missense variant.
Genome position (GRCh38, 1-based): chr3:15,458,251, T>C on the plus strand (A>G on the coding strand, the complement: COLQ is on the minus strand). VCF-style: chr3-15458251-T-C. GRCh37 (hg19) VCF-style: chr3-15499758-T-C.
Other names: c.859A>G, p.Met287Val (NM_080538.2); c.787A>G, p.Met263Val (NM_080539.4); short protein forms M297V, M287V, M263V.
Identifiers: ClinVar variation 1941009 (VCV001941009.5), dbSNP rs755020019, ClinGen allele CA2275935.

ClinVar aggregate classification (germline): Uncertain significance (1 of 4 stars; one submission).

Conditions:
Congenital myasthenic syndrome 5. Identifiers: Orphanet 590, MedGen C1864233, MONDO:0011281, OMIM 603034.

Allele frequency attached by ClinVar (database versions not stated): gnomAD exomes below 0.00001; ExAC 0.00001.
gnomAD v4.1: 2 of 1,614,136 alleles (0.00012%); highest among the groups gnomAD compares: South Asian, 0.0011%; no homozygotes.

Submission:

Labcorp Genetics (formerly Invitae), Labcorp
Classification: Uncertain significance for Congenital myasthenic syndrome 5. Last evaluated: 2022-03-09. Review status: criteria provided, single submitter. Criteria: Invitae Variant Classification Sherloc (09022015). Collection method: clinical testing. Allele origin: germline.
Comment: This variant has not been reported in the literature in individuals affected with COLQ-related conditions. Algorithms developed to predict the effect of missense changes on protein structure and function output the following: SIFT: "Tolerated"; PolyPhen-2: "Not Available"; Align-GVGD: "Class C0". The valine amino acid residue is found in multiple mammalian species, which suggests that this missense change does not adversely affect protein function. In summary, the available evidence is currently insufficient to determine the role of this variant in disease. Therefore, it has been classified as a Variant of Uncertain Significance. This variant is present in population databases (rs755020019, gnomAD 0.003%). This sequence change replaces methionine, which is neutral and non-polar, with valine, which is neutral and non-polar, at codon 297 of the COLQ protein (p.Met297Val).